The following is an entry in ClinVar:

NM_006231.4(POLE):c.5228A>G (p.His1743Arg)

Gene: POLE (DNA polymerase epsilon, catalytic subunit; minus strand). Cytogenetic location: 12q24.33.
Variant type: single nucleotide variant.
Coding change: c.5228A>G on transcript NM_006231.4 (MANE Select); coding-DNA position 5228, A replaced by G.
Protein change: p.His1743Arg; replaces histidine 1743 with arginine.
Molecular consequence: missense variant.
Genome position (GRCh38, 1-based): chr12:132,641,797, T>C on the plus strand (A>G on the coding strand, the complement: POLE is on the minus strand). VCF-style: chr12-132641797-T-C. GRCh37 (hg19) VCF-style: chr12-133218383-T-C.
Other names: short protein forms H1743R.
Identifiers: ClinVar variation 2135442 (VCV002135442.4), dbSNP rs751529788, ClinGen allele CA387376390.

ClinVar aggregate classification (germline): Uncertain significance (1 of 4 stars; one submission).

Submission:

Labcorp Genetics (formerly Invitae), Labcorp
Classification: Uncertain significance. Last evaluated: 2025-01-28. Review status: criteria provided, single submitter. Criteria: Invitae Variant Classification Sherloc (09022015). Collection method: clinical testing. Allele origin: germline.
Comment: This sequence change replaces histidine, which is basic and polar, with arginine, which is basic and polar, at codon 1743 of the POLE protein (p.His1743Arg). This variant is not present in population databases (gnomAD no frequency). This variant has not been reported in the literature in individuals affected with POLE-related conditions. ClinVar contains an entry for this variant (Variation ID: 2135442). Invitae Evidence Modeling of protein sequence and biophysical properties (such as structural, functional, and spatial information, amino acid conservation, physicochemical variation, residue mobility, and thermodynamic stability) indicates that this missense variant is not expected to disrupt POLE protein function with a negative predictive value of 80%. In summary, the available evidence is currently insufficient to determine the role of this variant in disease. Therefore, it has been classified as a Variant of Uncertain Significance.